The following is an entry in ClinVar:

NM_000135.4(FANCA):c.1966G>A (p.Ala656Thr)

Gene: FANCA (FA complementation group A; minus strand). Cytogenetic location: 16q24.3.
Variant type: single nucleotide variant.
Coding change: c.1966G>A on transcript NM_000135.4 (MANE Select); coding-DNA position 1966, G replaced by A.
Protein change: p.Ala656Thr; replaces alanine 656 with threonine.
Molecular consequence: missense variant.
Genome position (GRCh38, 1-based): chr16:89,773,319, C>T on the plus strand (G>A on the coding strand, the complement: FANCA is on the minus strand). VCF-style: chr16-89773319-C-T. GRCh37 (hg19) VCF-style: chr16-89839727-C-T.
Other names: c.1966G>A, p.Ala656Thr (NM_001286167.3); short protein forms A656T.
Identifiers: ClinVar variation 2156522 (VCV002156522.4), dbSNP rs1301964832, ClinGen allele CA397449909.
Genomic context (GRCh38, chr16:89,773,319, plus strand): 5'-ATCCATCCTCACCATCACGCTGGCTGGGGTCTGTCATGGAGGCTCTCAGCTCTCCCAGTG[C>T]AGCTGTGAGCTGTCCCAGGGGCTCCTCAGCAGAGTTGGGTTCTGCCCTCACTCCCAGGGC-3'
Protein context (NP_000126.2, residues 646-666): AEEPLGQLTA[Ala656Thr]LGELRASMTD

ClinVar aggregate classification (germline): Uncertain significance. Review status: criteria provided, multiple submitters, no conflicts (2 of 4 stars). 2 submissions from 2 submitters: Uncertain significance (2). Last evaluated 2026-09-14.

Conditions:
Fanconi anemia (FA). Also called: Fanconi's anemia. Identifiers: Orphanet 84, MedGen C0015625, MeSH D005199, MONDO:0019391.
Inborn genetic diseases. Identifiers: MedGen C0950123, MeSH D030342.

Allele frequency attached by ClinVar (database versions not stated): TOPMed below 0.00001; gnomAD exomes below 0.00001.
gnomAD v4.1: 2 of 1,551,596 alleles (0.00013%); highest among the groups gnomAD compares: East Asian, 0.0049%; no homozygotes.

Submissions (2):

Ambry Genetics
Classification: Uncertain significance for Inborn genetic diseases. Last evaluated: 2026-09-14. Review status: criteria provided, single submitter. Criteria: Ambry Variant Classification Scheme 2023. Collection method: clinical testing. Allele origin: germline.
Comment: The p.A656T variant (also known as c.1966G>A), located in coding exon 22 of the FANCA gene, results from a G to A substitution at nucleotide position 1966. The alanine at codon 656 is replaced by threonine, an amino acid with similar properties. This amino acid position is conserved. In addition, the in silico prediction for this alteration is inconclusive. Based on the available evidence, the clinical significance of this variant remains unclear.

Labcorp Genetics (formerly Invitae), Labcorp
Classification: Uncertain significance for Fanconi anemia. Last evaluated: 2024-12-07. Review status: criteria provided, single submitter. Criteria: Invitae Variant Classification Sherloc (09022015). Collection method: clinical testing. Allele origin: germline.
Comment: This sequence change replaces alanine, which is neutral and non-polar, with threonine, which is neutral and polar, at codon 656 of the FANCA protein (p.Ala656Thr). The frequency data for this variant in the population databases is considered unreliable, as metrics indicate poor data quality at this position in the gnomAD database. This variant has not been reported in the literature in individuals affected with FANCA-related conditions. ClinVar contains an entry for this variant (Variation ID: 2156522). Invitae Evidence Modeling of protein sequence and biophysical properties (such as structural, functional, and spatial information, amino acid conservation, physicochemical variation, residue mobility, and thermodynamic stability) has been performed for this missense variant. However, the output from this modeling did not meet the statistical confidence thresholds required to predict the impact of this variant on FANCA protein function. In summary, the available evidence is currently insufficient to determine the role of this variant in disease. Therefore, it has been classified as a Variant of Uncertain Significance.